The following is an entry in ClinVar:

NM_001010909.5(MUC21):c.879C>G (p.Pro293=)

Genes: MUC21 (mucin 21, cell surface associated; plus strand), LOC126859647 (CDK7 strongly-dependent group 2 enhancer GRCh37_chr6:30954612-30955811; plus strand). Cytogenetic location: 6p21.33.
Variant type: single nucleotide variant.
Coding change: c.879C>G on transcript NM_001010909.5 (MANE Select); coding-DNA position 879, C replaced by G.
Protein change: p.Pro293=; no amino-acid change (proline 293 retained).
Molecular consequence: synonymous variant. On other transcripts: non-coding transcript variant (1).
Genome position (GRCh38, 1-based): chr6:30,987,054, C>G. VCF-style: chr6-30987054-C-G. GRCh37 (hg19) VCF-style: chr6-30954831-C-G.
Other names: c.969C>G, p.Thr323= (NM_001322370.2, NM_001322371.2).
Identifiers: ClinVar variation 2656360 (VCV002656360.24), dbSNP rs1270610642, ClinGen allele CA449782224.

ClinVar aggregate classification (germline): Likely benign (1 of 4 stars; one submission).

Submission:

CeGaT Center for Human Genetics Tuebingen
Classification: Likely benign. Last evaluated: 2023-01-01. Review status: criteria provided, single submitter. Criteria: CeGaT Center For Human Genetics Tuebingen Variant Classification Criteria Version 2. Collection method: clinical testing. Allele origin: germline. Affected: yes. Observed: 1 variant allele.
Comment: MUC21: BP4, BP7